The following is an entry in ClinVar:

ClinVar aggregate classification (germline): Benign/Likely benign. Review status: criteria provided, multiple submitters, no conflicts (2 of 4 stars). 4 submissions from 4 submitters: Benign (1); Likely benign (3). Last evaluated 2025-08-01.

Allele frequency attached by ClinVar (database versions not stated): TOPMed 0.00107; ExAC 0.00115; ESP Exome Variant Server 0.00115; gnomAD 0.00172.
gnomAD v4.1: 1,658 of 1,614,034 alleles (0.1%); highest among the groups gnomAD compares: Non-Finnish European, 0.13%; 10 homozygotes.

Submissions (4):

CeGaT Center for Human Genetics Tuebingen
Classification: Likely benign. Last evaluated: 2025-08-01. Review status: criteria provided, single submitter. Criteria: CeGaT Center For Human Genetics Tuebingen Variant Classification Criteria Version 2. Collection method: clinical testing. Allele origin: germline. Affected: yes. Observed: 5 variant alleles.
Comment: CTNND2: BP4, BP7

Blueprint Genetics
Classification: Likely benign. Last evaluated: 2024-11-21. Review status: criteria provided, single submitter. Criteria: ACMG Guidelines, 2015. Collection method: clinical testing. Allele origin: germline.

Labcorp Genetics (formerly Invitae), Labcorp
Classification: Likely benign. Last evaluated: 2019-12-31. Review status: criteria provided, single submitter. Criteria: Invitae Variant Classification Sherloc (09022015). Collection method: clinical testing. Allele origin: germline.

GeneDx
Classification: Benign. Last evaluated: 2019-04-25. Review status: criteria provided, single submitter. Criteria: GeneDx Variant Classification Process June 2021. Collection method: clinical testing. Allele origin: germline. Affected: yes.

NM_001332.4(CTNND2):c.2316G>A (p.Ser772=)

Gene: CTNND2 (catenin delta 2; minus strand). Cytogenetic location: 5p15.2.
Variant type: single nucleotide variant.
Coding change: c.2316G>A on transcript NM_001332.4 (MANE Select); coding-DNA position 2316, G replaced by A.
Protein change: p.Ser772=; no amino-acid change (serine 772 retained).
Molecular consequence: synonymous variant. On other transcripts: non-coding transcript variant (1).
Genome position (GRCh38, 1-based): chr5:11,111,005, C>T on the plus strand (G>A on the coding strand, the complement: CTNND2 is on the minus strand). VCF-style: chr5-11111005-C-T. GRCh37 (hg19) VCF-style: chr5-11111117-C-T.
Other names: c.2043G>A, p.Ser681= (NM_001288715.1); c.1305G>A, p.Ser435= (NM_001288716.1, NM_001364128.2); c.1017G>A, p.Ser339= (NM_001288717.2).
Identifiers: ClinVar variation 714949 (VCV000714949.31), dbSNP rs148199852, ClinGen allele CA3200616.